The following is an entry in ClinVar:

ClinVar aggregate classification (germline): Uncertain significance. Review status: criteria provided, multiple submitters, no conflicts (2 of 4 stars). 2 submissions from 2 submitters: Uncertain significance (2). Last evaluated 2025-07-20.

Conditions:
Cardiovascular phenotype. Identifiers: MedGen CN230736.
Dilated cardiomyopathy 1JJ (CMD1JJ). Identifiers: Orphanet 154, MedGen C3808935, MONDO:0014095, OMIM 615235.

Allele frequency attached by ClinVar (database versions not stated): gnomAD exomes below 0.00001.
gnomAD v4.1: 2 of 1,591,746 alleles (0.00013%); highest among the groups gnomAD compares: Non-Finnish European, 0.00017%; no homozygotes.

Submissions (2):

Labcorp Genetics (formerly Invitae), Labcorp
Classification: Uncertain significance for Dilated cardiomyopathy 1JJ. Last evaluated: 2025-07-20. Review status: criteria provided, single submitter. Criteria: Invitae Variant Classification Sherloc (09022015). Collection method: clinical testing. Allele origin: germline.
Comment: This sequence change replaces glutamic acid, which is acidic and polar, with glycine, which is neutral and non-polar, at codon 351 of the LAMA4 protein (p.Glu351Gly). This variant is not present in population databases (gnomAD no frequency). This variant has not been reported in the literature in individuals affected with LAMA4-related conditions. ClinVar contains an entry for this variant (Variation ID: 1777487). Invitae Evidence Modeling of protein sequence and biophysical properties (such as structural, functional, and spatial information, amino acid conservation, physicochemical variation, residue mobility, and thermodynamic stability) indicates that this missense variant is not expected to disrupt LAMA4 protein function with a negative predictive value of 80%. In summary, the available evidence is currently insufficient to determine the role of this variant in disease. Therefore, it has been classified as a Variant of Uncertain Significance.

Ambry Genetics
Classification: Uncertain significance for Cardiovascular phenotype. Last evaluated: 2022-10-27. Review status: criteria provided, single submitter. Criteria: Ambry Variant Classification Scheme 2023. Collection method: clinical testing. Allele origin: germline.
Comment: The p.E351G variant (also known as c.1052A>G), located in coding exon 8 of the LAMA4 gene, results from an A to G substitution at nucleotide position 1052. The glutamic acid at codon 351 is replaced by glycine, an amino acid with similar properties. This amino acid position is conserved. In addition, this alteration is predicted to be tolerated by in silico analysis. Since supporting evidence is limited at this time, the clinical significance of this alteration remains unclear.

NM_001105206.3(LAMA4):c.1073A>G (p.Glu358Gly)

Gene: LAMA4 (laminin subunit alpha 4; minus strand). Cytogenetic location: 6q21.
Variant type: single nucleotide variant.
Coding change: c.1073A>G on transcript NM_001105206.3 (MANE Select); coding-DNA position 1073, A replaced by G.
Protein change: p.Glu358Gly; replaces glutamic acid 358 with glycine.
Molecular consequence: missense variant.
Genome position (GRCh38, 1-based): chr6:112,185,241, T>C on the plus strand (A>G on the coding strand, the complement: LAMA4 is on the minus strand). VCF-style: chr6-112185241-T-C. GRCh37 (hg19) VCF-style: chr6-112506443-T-C.
Other names: c.1052A>G, p.Glu351Gly (NM_001105207.3, NM_002290.5); short protein forms E351G, E358G.
Identifiers: ClinVar variation 1777487 (VCV001777487.3), dbSNP rs2547135391, ClinGen allele CA365374435.